The following is an entry in ClinVar:

NM_053025.4(MYLK):c.1631G>C (p.Arg544Pro)

Gene: MYLK (myosin light chain kinase; minus strand). Cytogenetic location: 3q21.1.
Variant type: single nucleotide variant.
Coding change: c.1631G>C on transcript NM_053025.4 (MANE Select); coding-DNA position 1631, G replaced by C.
Protein change: p.Arg544Pro; replaces arginine 544 with proline.
Molecular consequence: missense variant.
Genome position (GRCh38, 1-based): chr3:123,725,964, C>G on the plus strand (G>C on the coding strand, the complement: MYLK is on the minus strand). VCF-style: chr3-123725964-C-G. GRCh37 (hg19) VCF-style: chr3-123444811-C-G.
Other names: p.Arg544Pro; c.1103G>C, p.Arg368Pro (NM_001321309.2); c.1424G>C, p.Arg475Pro (NM_053026.4, NM_053028.4); c.1631G>C, p.Arg544Pro (NM_053027.4); short protein forms R475P, R368P, R544P.
Identifiers: ClinVar variation 1776841 (VCV001776841.4), dbSNP rs146724203, ClinGen allele CA82936551.

ClinVar aggregate classification (germline): Uncertain significance. Review status: criteria provided, multiple submitters, no conflicts (2 of 4 stars). 3 submissions from 3 submitters: Uncertain significance (3). Last evaluated 2025-03-04.

Conditions:
Familial thoracic aortic aneurysm and aortic dissection (TAAD). Also called: Thoracic aortic aneurysms and dissections. Identifiers: Orphanet 91387, MedGen C4707243, MONDO:0019625.

gnomAD v4.1: 9 of 1,613,920 alleles (0.00056%); highest among the groups gnomAD compares: African/African-American, 0.008%; no homozygotes.

Submissions (3):

Mayo Clinic Laboratories, Mayo Clinic
Classification: Uncertain significance. Last evaluated: 2025-03-04. Review status: criteria provided, single submitter. Criteria: ACMG Guidelines, 2015. Collection method: clinical testing. Allele origin: germline. Observed: 1 variant allele.
Comment: PM2_supporting

GeneDx
Classification: Uncertain significance. Last evaluated: 2023-10-17. Review status: criteria provided, single submitter. Criteria: GeneDx Variant Classification Process June 2021. Collection method: clinical testing. Allele origin: germline. Affected: yes.
Comment: Has not been previously published as pathogenic or benign to our knowledge; In silico analysis supports that this missense variant does not alter protein structure/function

Ambry Genetics
Classification: Uncertain significance for Familial thoracic aortic aneurysm and aortic dissection. Last evaluated: 2022-08-30. Review status: criteria provided, single submitter. Criteria: Ambry Variant Classification Scheme 2023. Collection method: clinical testing. Allele origin: germline.
Comment: The p.R544P variant (also known as c.1631G>C), located in coding exon 9 of the MYLK gene, results from a G to C substitution at nucleotide position 1631. The arginine at codon 544 is replaced by proline, an amino acid with dissimilar properties. This amino acid position is conserved. In addition, this alteration is predicted to be tolerated by in silico analysis. Since supporting evidence is limited at this time, the clinical significance of this alteration remains unclear.